The following is an entry in ClinVar:

ClinVar aggregate classification (germline): Likely pathogenic (1 of 4 stars; one submission).

Submission:

Labcorp Genetics (formerly Invitae), Labcorp
Classification: Likely pathogenic. Last evaluated: 2024-08-08. Review status: criteria provided, single submitter. Criteria: Invitae Variant Classification Sherloc (09022015). Collection method: clinical testing. Allele origin: germline.
Comment: This sequence change affects a donor splice site in intron 18 of the COL18A1 gene. It is expected to disrupt RNA splicing. Variants that disrupt the donor or acceptor splice site typically lead to a loss of protein function (PMID: 16199547), and loss-of-function variants in COL18A1 are known to be pathogenic (PMID: 12415512, 25456301). This variant is not present in population databases (gnomAD no frequency). This variant has not been reported in the literature in individuals affected with COL18A1-related conditions. Algorithms developed to predict the effect of sequence changes on RNA splicing suggest that this variant may disrupt the consensus splice site. In summary, the currently available evidence indicates that the variant is pathogenic, but additional data are needed to prove that conclusively. Therefore, this variant has been classified as Likely Pathogenic.

Literature cited by the submitters: PubMed 16199547; PubMed 12415512; PubMed 25456301.

NM_001379500.1(COL18A1):c.1923+1G>A

Gene: COL18A1 (collagen type XVIII alpha 1 chain; plus strand). Cytogenetic location: 21q22.3.
Variant type: single nucleotide variant.
Coding change: c.1923+1G>A on transcript NM_001379500.1 (MANE Select); the canonical splice donor site of the intron after coding-DNA position 1923, G replaced by A.
Molecular consequence: splice donor variant.
Genome position (GRCh38, 1-based): chr21:45,488,445, G>A. VCF-style: chr21-45488445-G-A. GRCh37 (hg19) VCF-style: chr21-46908359-G-A.
Other names: c.3168+1G>A (NM_130444.3); c.2463+1G>A (NM_030582.4).
Identifiers: ClinVar variation 3661771 (VCV003661771.2).